The following is an entry in ClinVar:

NM_005602.6(CLDN11):c.190C>T (p.His64Tyr)

Gene: CLDN11 (claudin 11; plus strand). Cytogenetic location: 3q26.2.
Variant type: single nucleotide variant.
Coding change: c.190C>T on transcript NM_005602.6 (MANE Select); coding-DNA position 190, C replaced by T.
Protein change: p.His64Tyr; replaces histidine 64 with tyrosine.
Molecular consequence: missense variant.
Genome position (GRCh38, 1-based): chr3:170,419,256, C>T. VCF-style: chr3-170419256-C-T. GRCh37 (hg19) VCF-style: chr3-170137044-C-T.
Other names: short protein forms H64Y.
Identifiers: ClinVar variation 4875411 (VCV004875411.2).

ClinVar aggregate classification (germline): Uncertain significance (1 of 4 stars; one submission).

Submission:

CeGaT Center for Human Genetics Tuebingen
Classification: Uncertain significance. Last evaluated: 2026-06-01. Review status: criteria provided, single submitter. Criteria: CeGaT Center For Human Genetics Tuebingen Variant Classification Criteria Version 2. Collection method: clinical testing. Allele origin: germline. Affected: yes. Observed: 1 variant allele.
Comment: CLDN11: PM2, PP2, PP3